The following is an entry in ClinVar:

ClinVar aggregate classification (germline): Uncertain significance (1 of 4 stars; one submission).

Submission:

GeneDx
Classification: Uncertain significance. Last evaluated: 2023-12-07. Review status: criteria provided, single submitter. Criteria: GeneDx Variant Classification Process June 2021. Collection method: clinical testing. Allele origin: germline. Affected: yes.
Comment: Not observed at significant frequency in large population cohorts (gnomAD); In silico analysis supports that this missense variant has a deleterious effect on protein structure/function; Has not been previously published as pathogenic or benign to our knowledge

NM_001127222.2(CACNA1A):c.4594G>A (p.Ala1532Thr)

Gene: CACNA1A (calcium voltage-gated channel subunit alpha1 A; minus strand). Cytogenetic location: 19p13.13.
Variant type: single nucleotide variant.
Coding change: c.4594G>A on transcript NM_001127222.2 (MANE Select); coding-DNA position 4594, G replaced by A.
Protein change: p.Ala1532Thr; replaces alanine 1532 with threonine.
Molecular consequence: missense variant.
Genome position (GRCh38, 1-based): chr19:13,255,256, C>T on the plus strand (G>A on the coding strand, the complement: CACNA1A is on the minus strand). VCF-style: chr19-13255256-C-T. GRCh37 (hg19) VCF-style: chr19-13366070-C-T.
Other names: c.4606G>A, p.Ala1536Thr (NM_000068.4, NM_023035.3); c.4597G>A, p.Ala1533Thr (NM_001127221.2, NM_001174080.2); short protein forms A1532T, A1533T, A1536T.
Identifiers: ClinVar variation 3365229 (VCV003365229.1).